The following is an entry in ClinVar:

ClinVar aggregate classification (germline): Pathogenic (1 of 4 stars; one submission).

Conditions:
Neurofibromatosis, type 2 (SWNV). Also called: NF2-Related Schwannomatosis; BILATERAL ACOUSTIC NEUROFIBROMATOSIS; SCHWANNOMATOSIS, VESTIBULAR. Identifiers: Orphanet 637, MedGen C0027832, MONDO:0007039, OMIM 101000. Disease mechanism: loss of function.

Submission:

Labcorp Genetics (formerly Invitae), Labcorp
Classification: Pathogenic for Neurofibromatosis, type 2. Last evaluated: 2022-06-14. Review status: criteria provided, single submitter. Criteria: Invitae Variant Classification Sherloc (09022015). Collection method: clinical testing. Allele origin: germline.
Comment: For these reasons, this variant has been classified as Pathogenic. This variant has not been reported in the literature in individuals affected with NF2-related conditions. This sequence change creates a premature translational stop signal (p.Glu392*) in the NF2 gene. It is expected to result in an absent or disrupted protein product. Loss-of-function variants in NF2 are known to be pathogenic (PMID: 9643284, 16983642). This variant is not present in population databases (gnomAD no frequency).

Literature cited by the submitters: PubMed 9643284; PubMed 16983642.

NM_000268.4(NF2):c.1174G>T (p.Glu392Ter)

Gene: NF2 (NF2, moesin-ezrin-radixin like (MERLIN) tumor suppressor; plus strand). Cytogenetic location: 22q12.2.
Variant type: single nucleotide variant.
Coding change: c.1174G>T on transcript NM_000268.4 (MANE Select); coding-DNA position 1174, G replaced by T.
Protein change: p.Glu392Ter; replaces glutamic acid 392 with a stop codon.
Molecular consequence: nonsense. On other transcripts: non-coding transcript variant (1), intron variant (1).
Genome position (GRCh38, 1-based): chr22:29,673,320, G>T. VCF-style: chr22-29673320-G-T. GRCh37 (hg19) VCF-style: chr22-30069309-G-T.
Other names: c.1060G>T, p.Glu354Ter (NM_001407053.1, NM_001407056.1); c.1051G>T, p.Glu351Ter (NM_001407054.1, NM_001407058.1, NM_181829.3); c.1048G>T, p.Glu350Ter (NM_001407055.1, NM_181828.3); c.1039G>T, p.Glu347Ter (NM_001407057.1, NM_001407059.1); c.1174G>T, p.Glu392Ter (NM_001407060.1, NM_001407066.1, NM_016418.5 and 2 more transcripts); c.916G>T, p.Glu306Ter (NM_001407062.1); c.925G>T, p.Glu309Ter (NM_001407063.1, NM_001407064.1, NM_181830.3 and 1 more transcripts); c.640G>T, p.Glu214Ter (NM_001407065.1); and 2 more; short protein forms E351*, E354*, E392*, E214*, E306*, E315*, E350*, E309*.
Identifiers: ClinVar variation 2006690 (VCV002006690.4), dbSNP rs1026724985, ClinGen allele CA411148069.